The following is an entry in ClinVar:

NM_017654.4(SAMD9):c.*8A>G

Gene: SAMD9 (sterile alpha motif domain containing 9; minus strand). Cytogenetic location: 7q21.2.
Variant type: single nucleotide variant.
Coding change: c.*8A>G on transcript NM_017654.4 (MANE Select); 8 bases downstream of the stop codon, A replaced by G.
Molecular consequence: 3 prime UTR variant.
Genome position (GRCh38, 1-based): chr7:93,101,320, T>C on the plus strand (A>G on the coding strand, the complement: SAMD9 is on the minus strand). VCF-style: chr7-93101320-T-C. GRCh37 (hg19) VCF-style: chr7-92730633-T-C.
Other names: c.*8A>G (NM_001193307.2).
Identifiers: ClinVar variation 1337231 (VCV001337231.6), dbSNP rs146843559, ClinGen allele CA4342493.
Genomic context (GRCh38, chr7:93,101,320, plus strand): 5'-TAGATCTTGAGTCCAAAAAAATTAAATGGGTACTGAGATCAAATTCTTGGAGGAAGAATA[T>C]CAGGCTCTTAAACAATTTCAATGTCATAAGCAAGTGGGCCTCCAATGGAAAATCCCAGGT-3'

ClinVar aggregate classification (germline): Conflicting classifications of pathogenicity. Review status: criteria provided, conflicting classifications (1 of 4 stars). 3 submissions from 3 submitters: Uncertain significance (1); Likely benign (2). Last evaluated 2026-04-26.

Conditions:
SAMD9-related disorder. Also called: SAMD9-related condition.

Allele frequency attached by ClinVar (database versions not stated): gnomAD exomes 0.00004 and 0.00016; ExAC 0.00016; gnomAD 0.00034 and 0.00036; TOPMed 0.00036; 1000 Genomes Project 0.00040; 1000 Genomes Project 30x 0.00047; ESP Exome Variant Server 0.00062.
gnomAD v4.1: 123 of 1,606,674 alleles (0.0077%); highest among the groups gnomAD compares: African/African-American, 0.14%; no homozygotes.

Submissions (3):

PreventionGenetics, part of Exact Sciences
Classification: Likely benign for SAMD9-related condition. Last evaluated: 2026-04-26. Review status: criteria provided, single submitter. Criteria: ACMG Guidelines, 2015. Collection method: clinical testing. Allele origin: germline.
Comment: This variant is classified as likely benign based on ACMG/AMP sequence variant interpretation guidelines (Richards et al. 2015 PMID: 25741868, with internal and published modifications).

Blueprint Genetics
Classification: Likely benign. Last evaluated: 2024-09-10. Review status: criteria provided, single submitter. Criteria: ACMG Guidelines, 2015. Collection method: clinical testing. Allele origin: germline.

Genetic Services Laboratory, University of Chicago
Classification: Uncertain significance. Last evaluated: 2019-06-08. Review status: criteria provided, single submitter. Criteria: ACMG Guidelines, 2015. Collection method: clinical testing. Allele origin: germline. Affected: no.